The following is an entry in ClinVar:

NM_001572.5(IRF7):c.1499A>G (p.Glu500Gly)

Gene: IRF7 (interferon regulatory factor 7; minus strand). Cytogenetic location: 11p15.5.
Variant type: single nucleotide variant.
Coding change: c.1499A>G on transcript NM_001572.5 (MANE Select); coding-DNA position 1499, A replaced by G.
Protein change: p.Glu500Gly; replaces glutamic acid 500 with glycine.
Molecular consequence: missense variant.
Genome position (GRCh38, 1-based): chr11:612,658, T>C on the plus strand (A>G on the coding strand, the complement: IRF7 is on the minus strand). VCF-style: chr11-612658-T-C. GRCh37 (hg19) VCF-style: chr11-612658-T-C.
Other names: c.1412A>G, p.Glu471Gly (NM_004029.4); c.1538A>G, p.Glu513Gly (NM_004031.4); short protein forms E471G, E500G, E513G.
Identifiers: ClinVar variation 3626623 (VCV003626623.2).
Genomic context (GRCh38, chr11:612,658, plus strand): 5'-TCTAGGTGGGCTGCTCCAGCTTTCTGGAGTTCTCATTAGACTGGGTTCTAGGCGGGCTGC[T>C]CCAGCTCCATAAGGAAGCACTCGATGTCGTCATAGAGGCTGTTGGCGCTGGACAGGCAGA-3'
Protein context (NP_001563.2, residues 490-503): DDIECFLMEL[Glu500Gly]QPA

ClinVar aggregate classification (germline): Uncertain significance (1 of 4 stars; one submission).

Conditions:
Immunodeficiency 39 (IMD39). Identifiers: Orphanet 574918, MedGen C4225358, MONDO:0014597, OMIM 616345.

Submission:

Labcorp Genetics (formerly Invitae), Labcorp
Classification: Uncertain significance for Immunodeficiency 39. Last evaluated: 2024-03-13. Review status: criteria provided, single submitter. Criteria: Invitae Variant Classification Sherloc (09022015). Collection method: clinical testing. Allele origin: germline.
Comment: This sequence change replaces glutamic acid, which is acidic and polar, with glycine, which is neutral and non-polar, at codon 513 of the IRF7 protein (p.Glu513Gly). This variant is not present in population databases (gnomAD no frequency). This variant has not been reported in the literature in individuals affected with IRF7-related conditions. Algorithms developed to predict the effect of missense changes on protein structure and function output the following: SIFT: "Not Available"; PolyPhen-2: "Benign"; Align-GVGD: "Not Available". The glycine amino acid residue is found in multiple mammalian species, which suggests that this missense change does not adversely affect protein function. In summary, the available evidence is currently insufficient to determine the role of this variant in disease. Therefore, it has been classified as a Variant of Uncertain Significance.